The following is an entry in ClinVar:

NM_018139.3(DNAAF2):c.260G>A (p.Arg87His)

Gene: DNAAF2 (dynein axonemal assembly factor 2; minus strand). Cytogenetic location: 14q21.3.
Variant type: single nucleotide variant.
Coding change: c.260G>A on transcript NM_018139.3 (MANE Select); coding-DNA position 260, G replaced by A.
Protein change: p.Arg87His; replaces arginine 87 with histidine.
Molecular consequence: missense variant.
Genome position (GRCh38, 1-based): chr14:49,634,890, C>T on the plus strand (G>A on the coding strand, the complement: DNAAF2 is on the minus strand). VCF-style: chr14-49634890-C-T. GRCh37 (hg19) VCF-style: chr14-50101608-C-T.
Other names: c.260G>A, p.Arg87His (NM_001083908.2); short protein forms R87H.
Identifiers: ClinVar variation 525221 (VCV000525221.9), dbSNP rs1555328120, ClinGen allele CA389632223.
Genomic context (GRCh38, chr14:49,634,890, plus strand): 5'-GAGCCGGGCCGGCTGCTGGGCGCGCCCACCAACGCGTTGCTGCAGACATTCACAAAGCAG[C>T]GCCGCGCCCCGTCCAGGCTGGTGCGCAGCACATGGCCGGGCTCCGGGTGCACGAACCGCA-3'
Protein context (NP_060609.2, residues 77-97): VLRTSLDGAR[Arg87His]CFVNVCSNAL

ClinVar aggregate classification (germline): Uncertain significance (1 of 4 stars; one submission).

Conditions:
Primary ciliary dyskinesia. Also called: Ciliary dyskinesia. Identifiers: Orphanet 244, MedGen C0008780, MONDO:0016575, HP:0012265.

Allele frequency attached by ClinVar (database versions not stated): gnomAD exomes below 0.00001.
gnomAD v4.1: 2 of 1,549,760 alleles (0.00013%); highest among the groups gnomAD compares: Non-Finnish European, 0.000087%; no homozygotes.

Submission:

Labcorp Genetics (formerly Invitae), Labcorp
Classification: Uncertain significance for Primary ciliary dyskinesia. Last evaluated: 2017-08-09. Review status: criteria provided, single submitter. Criteria: Invitae Variant Classification Sherloc (09022015). Collection method: clinical testing. Allele origin: germline.
Comment: In summary, the available evidence is currently insufficient to determine the role of this variant in disease. Therefore, it has been classified as a Variant of Uncertain Significance. Algorithms developed to predict the effect of missense changes on protein structure and function do not agree on the potential impact of this missense change (SIFT: "Deleterious"; PolyPhen-2: "Probably Damaging"; Align-GVGD: "Class C0"). This variant has not been reported in the literature in individuals with DNAAF2-related disease. While this variant is not present in population databases, the frequency information is unreliable, as metrics indicate poor data quality at this position in the ExAC database. This sequence change replaces arginine with histidine at codon 87 of the DNAAF2 protein (p.Arg87His). The arginine residue is moderately conserved and there is a small physicochemical difference between arginine and histidine.